The following is an entry in ClinVar:

NM_024642.5(GALNT12):c.504A>G (p.Leu168=)

Gene: GALNT12 (polypeptide N-acetylgalactosaminyltransferase 12; plus strand). Cytogenetic location: 9q22.33.
Variant type: single nucleotide variant.
Coding change: c.504A>G on transcript NM_024642.5 (MANE Select); coding-DNA position 504, A replaced by G.
Protein change: p.Leu168=; no amino-acid change (leucine 168 retained).
Molecular consequence: synonymous variant.
Genome position (GRCh38, 1-based): chr9:98,823,388, A>G. VCF-style: chr9-98823388-A-G. GRCh37 (hg19) VCF-style: chr9-101585670-A-G.
Identifiers: ClinVar variation 825399 (VCV000825399.11), dbSNP rs768255136, ClinGen allele CA5153956.

ClinVar aggregate classification (germline): Benign/Likely benign. Review status: criteria provided, multiple submitters, no conflicts (2 of 4 stars). 4 submissions from 4 submitters: Benign (2); Likely benign (2). Last evaluated 2026-04-23.

Conditions:
Colorectal cancer, susceptibility to, 1. Also called: COLORECTAL ADENOMA AND CANCER, SUSCEPTIBILITY TO; COLORECTAL CANCER, SUSCEPTIBILITY TO, ON CHROMOSOME 9. Identifiers: MedGen C1837315, MONDO:0012132, OMIM 608812.

Allele frequency attached by ClinVar (database versions not stated): gnomAD exomes below 0.00001 and 0.00002; gnomAD 0.00003 and 0.00004; ExAC 0.00002; TOPMed 0.00006.
gnomAD v4.1: 12 of 1,614,030 alleles (0.00074%); highest among the groups gnomAD compares: African/African-American, 0.013%; no homozygotes.

Submissions (4):

Myriad Genetics, Inc.
Classification: Benign for Colorectal cancer, susceptibility to, 1. Last evaluated: 2026-04-23. Review status: criteria provided, single submitter. Criteria: Myriad Autosomal Dominant, Autosomal Recessive and X-Linked Classification Criteria (2023). Collection method: clinical testing. Allele origin: unknown.
Comment: This variant is considered benign. This variant is a silent/synonymous amino acid change and it is not expected to impact splicing.

Labcorp Genetics (formerly Invitae), Labcorp
Classification: Likely benign. Last evaluated: 2025-04-08. Review status: criteria provided, single submitter. Criteria: Invitae Variant Classification Sherloc (09022015). Collection method: clinical testing. Allele origin: germline.

Quest Diagnostics Nichols Institute San Juan Capistrano
Classification: Benign. Last evaluated: 2023-07-18. Review status: criteria provided, single submitter. Criteria: Quest Diagnostics criteria. Collection method: clinical testing. Allele origin: unknown.

Ambry Genetics
Classification: Likely benign. Last evaluated: 2019-07-25. Review status: criteria provided, single submitter. Criteria: Ambry Variant Classification Scheme 2023. Collection method: clinical testing. Allele origin: germline.